The following is an entry in ClinVar:

ClinVar aggregate classification (germline): Pathogenic (1 of 4 stars; one submission).

Submission:

GeneDx
Classification: Pathogenic. Last evaluated: 2016-08-15. Review status: criteria provided, single submitter. Criteria: GeneDx Variant Classification (06012015). Collection method: clinical testing. Allele origin: germline. Affected: yes.
Comment: The c.1532delT pathogenic variant in the KANSL1 gene has not been reported previously as a pathogenic variant nor as a benign variant, to our knowledge. The c.1532delT variant causes a frameshift, changing codon Leucine 511 to a premature Stop codon, denoted p.Leu511Ter. This variant is predicted to cause loss of normal protein function either through protein truncation or nonsense-mediated mRNA decay. The c.1532delT variant was not observed in approximately 6,500 individuals of European and African American ancestry in the NHLBI Exome Sequencing Project, indicating it is not a common benign variant in these populations. We interpret c.1532delT as a pathogenic variant.

NM_015443.4(KANSL1):c.1532del (p.Lys510_Leu511insTer)

Gene: KANSL1 (KAT8 regulatory NSL complex subunit 1). Cytogenetic location: 17q21.31.
Variant type: Deletion.
Coding change: c.1532del on transcript NM_015443.4 (MANE Select); coding-DNA position 1532, one base deleted.
Protein change: p.Lys510_Leu511insTer.
Molecular consequence: nonsense.
Genome position: GRCh38 VCF-style: chr17-46082441-CA-C. GRCh37 (hg19) VCF-style: chr17-44159807-CA-C.
Other names: c.1532del, p.Lys510_Leu511insTer (NM_001193465.2, NM_001193466.2, NM_001379198.1).
Identifiers: ClinVar variation 265688 (VCV000265688.2), dbSNP rs886039733, ClinGen allele CA10588660.